The following is an entry in ClinVar:

NM_002354.3(EPCAM):c.284A>G (p.Tyr95Cys)

Gene: EPCAM (epithelial cell adhesion molecule; plus strand). Cytogenetic location: 2p21.
Variant type: single nucleotide variant.
Coding change: c.284A>G on transcript NM_002354.3 (MANE Select); coding-DNA position 284, A replaced by G.
Protein change: p.Tyr95Cys; replaces tyrosine 95 with cysteine.
Molecular consequence: missense variant.
Genome position (GRCh38, 1-based): chr2:47,373,907, A>G. VCF-style: chr2-47373907-A-G. GRCh37 (hg19) VCF-style: chr2-47601046-A-G.
Other names: short protein forms Y95C.
Identifiers: ClinVar variation 3222101 (VCV003222101.2), dbSNP rs2103747352, ClinGen allele CA346723054.

ClinVar aggregate classification (germline): Uncertain significance. Review status: criteria provided, multiple submitters, no conflicts (2 of 4 stars). 2 submissions from 2 submitters: Uncertain significance (2). Last evaluated 2026-10-01.

Conditions:
Lynch syndrome 8 (LYNCH8). Also called: Colorectal cancer, hereditary nonpolyposis, type 8. Identifiers: Orphanet 144, MedGen C2750471, MONDO:0013196, OMIM 613244.
Hereditary cancer-predisposing syndrome. Also called: Hereditary Cancer Syndrome; Hereditary neoplastic syndrome; Neoplastic Syndromes, Hereditary; Tumor predisposition. Identifiers: Orphanet 140162, MedGen C0027672, MeSH D009386, MONDO:0015356.

Submissions (2):

St. Jude Molecular Pathology, St. Jude Children's Research Hospital
Classification: Uncertain significance for Lynch syndrome 8. Last evaluated: 2026-10-01. Review status: criteria provided, single submitter. Criteria: St. Jude Assertion Criteria 2020. Collection method: clinical testing. Allele origin: germline.
Comment: The EPCAM c.284A>G p.(Tyr95Cys) missense change is absent in gnomAD v2.1.1 (.). The in silico tool REVEL predicts a deleterious effect on protein function, but to our knowledge this prediction has not been confirmed by functional studies. To our knowledge, this variant has not been reported in individuals EPCAM - associated conditions. In summary, the evidence currently available is insufficient to determine the clinical significance of this variant. It has therefore been classified as of uncertain significance.

Ambry Genetics
Classification: Uncertain significance for Hereditary cancer-predisposing syndrome. Last evaluated: 2024-02-23. Review status: criteria provided, single submitter. Criteria: Ambry Variant Classification Scheme 2023. Collection method: clinical testing. Allele origin: germline.
Comment: The p.Y95C variant (also known as c.284A>G), located in coding exon 3 of the EPCAM gene, results from an A to G substitution at nucleotide position 284. The tyrosine at codon 95 is replaced by cysteine, an amino acid with highly dissimilar properties. This amino acid position is conserved. In addition, this alteration is predicted to be deleterious by in silico analysis. Based on the available evidence, the clinical significance of this alteration remains unclear.